The following is an entry in ClinVar:

NM_000135.4(FANCA):c.964C>T (p.His322Tyr)

Gene: FANCA (FA complementation group A; minus strand). Cytogenetic location: 16q24.3.
Variant type: single nucleotide variant.
Coding change: c.964C>T on transcript NM_000135.4 (MANE Select); coding-DNA position 964, C replaced by T.
Protein change: p.His322Tyr; replaces histidine 322 with tyrosine.
Molecular consequence: missense variant.
Genome position (GRCh38, 1-based): chr16:89,795,948, G>A on the plus strand (C>T on the coding strand, the complement: FANCA is on the minus strand). VCF-style: chr16-89795948-G-A. GRCh37 (hg19) VCF-style: chr16-89862356-G-A.
Other names: c.964C>T (LRG_495t1, NM_000135.3); c.964C>T, p.His322Tyr (NM_001286167.3); short protein forms H322Y.
Identifiers: ClinVar variation 456146 (VCV000456146.16), dbSNP rs772768595, ClinGen allele CA8252610.

ClinVar aggregate classification (germline): Conflicting classifications of pathogenicity. Review status: criteria provided, conflicting classifications (1 of 4 stars). 10 submissions from 10 submitters: Pathogenic (1); Likely pathogenic (2); Uncertain significance (4); Likely benign (1). 2 of the submissions do not count toward it. Last evaluated 2026-06-11.

Conditions:
Fanconi anemia (FA). Also called: Fanconi's anemia. Identifiers: Orphanet 84, MedGen C0015625, MeSH D005199, MONDO:0019391.
Fanconi anemia complementation group A (FANCA). Also called: Fanconi anemia, group A; FANCA-Related Fanconi Anemia. Identifiers: Orphanet 84, MedGen C3469521, MONDO:0009215, OMIM 227650.

Allele frequency attached by ClinVar (database versions not stated): gnomAD below 0.00001 and 0.00003; ExAC 0.00006; gnomAD exomes 0.00006.
gnomAD v4.1: 71 of 1,614,018 alleles (0.0044%); highest among the groups gnomAD compares: South Asian, 0.065%; no homozygotes.

Submissions (10):

Myriad Genetics, Inc.
Classification: Uncertain significance for Fanconi anemia complementation group A. Last evaluated: 2026-06-11. Review status: criteria provided, single submitter. Criteria: Myriad Autosomal Dominant, Autosomal Recessive and X-Linked Classification Criteria (2023). Collection method: clinical testing. Allele origin: unknown.
Comment: NM_000135.2(FANCA):c.964C>T(H322Y) is a missense variant classified as a variant of uncertain significance in the context of Fanconi anemia complementation group A. H322Y has been observed in cases with relevant disease (PMID: 34585473, 28600779). Relevant functional assessments of this variant are not available in the literature. H322Y has been observed in referenced population frequency databases. In summary, there is insufficient evidence to classify NM_000135.2(FANCA):c.964C>T(H322Y) as pathogenic or benign. Please note: this variant was assessed in the context of healthy population screening.

Women's Health and Genetics/Laboratory Corporation of America, LabCorp
Classification: Uncertain significance. Last evaluated: 2026-03-23. Review status: criteria provided, single submitter. Criteria: LabCorp Variant Classification Summary - May 2015. Collection method: clinical testing. Allele origin: germline.
Comment: Variant summary: FANCA c.964C>T (p.His322Tyr) results in a conservative amino acid change in the encoded protein sequence. Algorithms developed to predict the effect of missense changes on protein structure and function all suggest that this variant is likely to be tolerated. The variant allele was found at a frequency of 6e-05 in 251468 control chromosomes. This frequency is not significantly higher than estimated for disease-causing variants in FANCA, allowing no conclusion about variant significance. c.964C>T has been observed in the homozygous state in an individual affected with Fanconi Anemia (George_2021). It has also been reported in the heterozygous state following duo WES in parents who had lost three children with renal agenesis and congenital malformations, however the affected children were not genetically tested (Monies_2017). These data indicate that the variant may be associated with disease. To our knowledge, no experimental evidence demonstrating an impact on protein function has been reported. The following publications have been ascertained in the context of this evaluation (PMID: 34585473, 28600779). ClinVar contains an entry for this variant (Variation ID: 456146). Based on the evidence outlined above, the variant was classified as VUS-possibly pathogenic.

First Genomix Gene Laboratory, Genetic Diagnostics Department
Classification: Likely pathogenic for Fanconi anemia complementation group A. Last evaluated: 2025-06-16. Review status: criteria provided, single submitter. Criteria: ACMG Guidelines, 2015. Collection method: clinical testing. Allele origin: germline. Inheritance: Autosomal recessive inheritance. Affected: no. Observed: 1 variant allele.

Labcorp Genetics (formerly Invitae), Labcorp
Classification: Likely benign for Fanconi anemia. Last evaluated: 2024-09-02. Review status: criteria provided, single submitter. Criteria: Invitae Variant Classification Sherloc (09022015). Collection method: clinical testing. Allele origin: germline.

Quest Diagnostics Nichols Institute San Juan Capistrano
Classification: Uncertain significance. Last evaluated: 2024-04-12. Review status: criteria provided, single submitter. Criteria: Quest Diagnostics criteria. Collection method: clinical testing. Allele origin: unknown.
Comment: The FANCA c.964C>T (p.His322Tyr) variant has been reported in the published literature in an individual affected with Fanconi anemia (FA) in a homozygous state (PMID: 34585473 (2021)). The frequency of this variant in the general population, 0.00046 (14/30616 chromosomes (Genome Aggregation Database)), is uninformative in the assessment of its pathogenicity. Analysis of this variant using bioinformatics tools for the prediction of the effect of amino acid changes on protein structure and function yielded predictions that this variant is benign. Based on the available information, we are unable to determine the clinical significance of this variant.

Genomic Medicine Center of Excellence, King Faisal Specialist Hospital and Research Centre
Classification: Pathogenic for Fanconi anemia complementation group A. Last evaluated: 2024-03-14. Review status: criteria provided, single submitter. Criteria: ACMG Guidelines, 2015. Collection method: research. Allele origin: germline.

Fulgent Genetics
Classification: Uncertain significance for Fanconi anemia complementation group A. Last evaluated: 2024-01-10. Review status: criteria provided, single submitter. Criteria: ACMG Guidelines, 2015. Collection method: clinical testing. Allele origin: germline.

Kasturba Medical College, Manipal, Kasturba Medical College, Manipal, Manipal Academy of Higher Education, Manipal, India
Classification: Likely pathogenic for Fanconi anemia complementation group A. Review status: criteria provided, single submitter. Criteria: ACMG Guidelines, 2015. Collection method: clinical testing. Allele origin: maternal. Inheritance: Autosomal recessive inheritance. Affected: yes. Observed: 1 compound heterozygote.

Natera, Inc.
Classification: Uncertain significance for Fanconi anemia, group A. Last evaluated: 2020-09-16. Review status: no assertion criteria provided. Collection method: clinical testing. Allele origin: germline. Not counted in ClinVar's aggregate classification.

Counsyl
Classification: Uncertain significance for Fanconi anemia complementation group A. Last evaluated: 2018-04-13. Review status: no assertion criteria provided. Collection method: clinical testing. Allele origin: unknown. Not counted in ClinVar's aggregate classification.

Literature cited by the submitters: PubMed 28600779 (cited by 4 submitters); PubMed 34585473 (cited by 3 submitters).